The following is an entry in ClinVar:

NM_001082971.2(DDC):c.1324G>T (p.Asp442Tyr)

Gene: DDC (dopa decarboxylase; minus strand). Cytogenetic location: 7p12.2.
Variant type: single nucleotide variant.
Coding change: c.1324G>T on transcript NM_001082971.2 (MANE Select); coding-DNA position 1324, G replaced by T.
Protein change: p.Asp442Tyr; replaces aspartic acid 442 with tyrosine.
Molecular consequence: missense variant.
Genome position (GRCh38, 1-based): chr7:50,463,350, C>A on the plus strand (G>T on the coding strand, the complement: DDC is on the minus strand). VCF-style: chr7-50463350-C-A. GRCh37 (hg19) VCF-style: chr7-50531048-C-A.
Other names: c.1324G>T, p.Asp442Tyr (NM_000790.4); c.1210G>T, p.Asp404Tyr (NM_001242886.2); c.1180G>T, p.Asp394Tyr (NM_001242887.2); c.1090G>T, p.Asp364Tyr (NM_001242888.2); c.1045G>T, p.Asp349Tyr (NM_001242889.2); short protein forms D404Y, D442Y, D349Y, D364Y, D394Y.
Identifiers: ClinVar variation 1361461 (VCV001361461.5), dbSNP rs2042326828, ClinGen allele CA367527941.

ClinVar aggregate classification (germline): Uncertain significance (1 of 4 stars; one submission).

Conditions:
Deficiency of aromatic-L-amino-acid decarboxylase. Also called: AADC DEFICIENCY; DDC DEFICIENCY; DOPA DECARBOXYLASE DEFICIENCY; Aromatic L-Amino Acid Decarboxylase Deficiency; Aromatic amino acid decarboxylase deficiency. Identifiers: Orphanet 35708, MedGen C1291564, MONDO:0012084, OMIM 608643.

Submission:

Labcorp Genetics (formerly Invitae), Labcorp
Classification: Uncertain significance for Deficiency of aromatic-L-amino-acid decarboxylase. Last evaluated: 2022-07-12. Review status: criteria provided, single submitter. Criteria: Invitae Variant Classification Sherloc (09022015). Collection method: clinical testing. Allele origin: germline.
Comment: In summary, the available evidence is currently insufficient to determine the role of this variant in disease. Therefore, it has been classified as a Variant of Uncertain Significance. Algorithms developed to predict the effect of sequence changes on RNA splicing suggest that this variant may create or strengthen a splice site. Algorithms developed to predict the effect of missense changes on protein structure and function (SIFT, PolyPhen-2, Align-GVGD) all suggest that this variant is likely to be disruptive. ClinVar contains an entry for this variant (Variation ID: 1361461). This variant has not been reported in the literature in individuals affected with DDC-related conditions. This variant is not present in population databases (gnomAD no frequency). This sequence change replaces aspartic acid, which is acidic and polar, with tyrosine, which is neutral and polar, at codon 442 of the DDC protein (p.Asp442Tyr).